The following is an entry in ClinVar:

ClinVar aggregate classification (germline): Likely benign. Review status: criteria provided, multiple submitters, no conflicts (2 of 4 stars). 2 submissions from 2 submitters: Likely benign (2). Last evaluated 2026-05-01.

gnomAD v4.1: 154 of 1,614,006 alleles (0.0095%); highest among the groups gnomAD compares: Non-Finnish European, 0.012%; no homozygotes.

Submissions (2):

CeGaT Center for Human Genetics Tuebingen
Classification: Likely benign. Last evaluated: 2026-05-01. Review status: criteria provided, single submitter. Criteria: CeGaT Center For Human Genetics Tuebingen Variant Classification Criteria Version 2. Collection method: clinical testing. Allele origin: germline. Affected: yes. Observed: 1 variant allele.
Comment: RERE: BP4, BP7

Labcorp Genetics (formerly Invitae), Labcorp
Classification: Likely benign. Last evaluated: 2024-02-29. Review status: criteria provided, single submitter. Criteria: Invitae Variant Classification Sherloc (09022015). Collection method: clinical testing. Allele origin: germline.

NM_001042681.2(RERE):c.951C>T (p.Val317=)

Gene: RERE (arginine-glutamic acid dipeptide repeats; minus strand). Cytogenetic location: 1p36.23.
Variant type: single nucleotide variant.
Coding change: c.951C>T on transcript NM_001042681.2 (MANE Select); coding-DNA position 951, C replaced by T.
Protein change: p.Val317=; no amino-acid change (valine 317 retained).
Molecular consequence: synonymous variant.
Genome position (GRCh38, 1-based): chr1:8,497,458, G>A on the plus strand (C>T on the coding strand, the complement: RERE is on the minus strand). VCF-style: chr1-8497458-G-A. GRCh37 (hg19) VCF-style: chr1-8557518-G-A.
Other names: c.951C>T, p.Val317= (NM_012102.4).
Identifiers: ClinVar variation 3628239 (VCV003628239.4).
Genomic context (GRCh38, chr1:8,497,458, plus strand): 5'-CTATTACCTTGCTGCCCTCAAGTACATAAGGAGGTCACAGTCGTTAACTCCAGGCATCCA[G>A]ACCAGTTCCTCATGTTGGGTCACTGTATCACCATCTGGAGAAGGAAATGGTTGCAGATCT-3'
Protein context (NP_001036146.1, residues 307-327): GDTVTQHEEL[Val317=]WMPGVNDCDL